The following is an entry in ClinVar:

ClinVar aggregate classification (germline): Likely benign (1 of 4 stars; one submission).

Allele frequency attached by ClinVar (database versions not stated): ExAC 0.00001; gnomAD exomes 0.00002 and 0.00003; gnomAD 0.00003 and 0.00004; TOPMed 0.00003.
gnomAD v4.1: 45 of 1,613,962 alleles (0.0028%); highest among the groups gnomAD compares: African/African-American, 0.0027%; no homozygotes.

Submission:

GeneDx
Classification: Likely benign. Last evaluated: 2018-02-18. Review status: criteria provided, single submitter. Criteria: GeneDx Variant Classification (06012015). Collection method: clinical testing. Allele origin: germline. Affected: yes.
Comment: This variant is considered likely benign or benign based on one or more of the following criteria: it is a conservative change, it occurs at a poorly conserved position in the protein, it is predicted to be benign by multiple in silico algorithms, and/or has population frequency not consistent with disease.

NM_144498.4(OSBPL2):c.939G>A (p.Ser313=)

Gene: OSBPL2 (oxysterol binding protein like 2; plus strand). Cytogenetic location: 20q13.33.
Variant type: single nucleotide variant.
Coding change: c.939G>A on transcript NM_144498.4 (MANE Select); coding-DNA position 939, G replaced by A.
Protein change: p.Ser313=; no amino-acid change (serine 313 retained).
Molecular consequence: synonymous variant.
Genome position (GRCh38, 1-based): chr20:62,284,112, G>A. VCF-style: chr20-62284112-G-A. GRCh37 (hg19) VCF-style: chr20-60859168-G-A.
Other names: c.663G>A, p.Ser221= (NM_001278649.3, NM_001363878.2); c.903G>A, p.Ser301= (NM_014835.5).
Identifiers: ClinVar variation 515615 (VCV000515615.1), dbSNP rs765317382, ClinGen allele CA9938618.